The following is an entry in ClinVar:

NM_000321.3(RB1):c.264+20G>A

Gene: RB1 (RB transcriptional corepressor 1; plus strand). Cytogenetic location: 13q14.2.
Variant type: single nucleotide variant.
Coding change: c.264+20G>A on transcript NM_000321.3 (MANE Select); 20 bases into the intron after coding-DNA position 264, G replaced by A.
Molecular consequence: intron variant.
Genome position (GRCh38, 1-based): chr13:48,307,426, G>A. VCF-style: chr13-48307426-G-A. GRCh37 (hg19) VCF-style: chr13-48881562-G-A.
Identifiers: ClinVar variation 513104 (VCV000513104.12), dbSNP rs200985890, ClinGen allele CA036469.
Genomic context (GRCh38, chr13:48,307,426, plus strand): 5'-GGTTAACTTGGGAGAAAGTTTCATCTGTGGATGGAGTATTGGTAAGGATTTTCTTAAAAC[G>A]TTTTGAAATTTTTTTTTCTCATTTTAAAAACAACTTCAAATCACTATACAAAAATTGAAA-3'

ClinVar aggregate classification (germline): Likely benign. Review status: criteria provided, multiple submitters, no conflicts (2 of 4 stars). 4 submissions from 4 submitters: Likely benign (4). Last evaluated 2026-01-11.

Conditions:
Retinoblastoma (RB1). Also called: RETINOBLASTOMA, SOMATIC. Identifiers: Orphanet 790, MedGen C0035335, MeSH D012175, MONDO:0008380, OMIM 180200, HP:0009919. Disease mechanism: loss of function. Inheritance: Both sporadic and heritable forms are tested..

Allele frequency attached by ClinVar (database versions not stated): ExAC 0.00001; TOPMed 0.00010; gnomAD 0.00011.
gnomAD v4.1: 51 of 1,609,134 alleles (0.0032%); highest among the groups gnomAD compares: Admixed American, 0.025%; 1 homozygote.

Submissions (4):

Labcorp Genetics (formerly Invitae), Labcorp
Classification: Likely benign for Retinoblastoma. Last evaluated: 2026-01-11. Review status: criteria provided, single submitter. Criteria: Invitae Variant Classification Sherloc (09022015). Collection method: clinical testing. Allele origin: germline.

ARUP Laboratories, Molecular Genetics and Genomics, ARUP Laboratories
Classification: Likely benign. Last evaluated: 2024-12-17. Review status: criteria provided, single submitter. Criteria: ARUP Molecular Germline Variant Investigation Process 2024. Collection method: clinical testing. Allele origin: germline.

Blueprint Genetics
Classification: Likely benign. Last evaluated: 2023-06-29. Review status: criteria provided, single submitter. Criteria: ACMG Guidelines, 2015. Collection method: clinical testing. Allele origin: germline.

GeneDx
Classification: Likely benign. Last evaluated: 2017-11-01. Review status: criteria provided, single submitter. Criteria: GeneDx Variant Classification (06012015). Collection method: clinical testing. Allele origin: germline. Affected: yes.
Comment: This variant is considered likely benign or benign based on one or more of the following criteria: it is a conservative change, it occurs at a poorly conserved position in the protein, it is predicted to be benign by multiple in silico algorithms, and/or has population frequency not consistent with disease.